The following is an entry in ClinVar:

NM_001042424.3(NSD2):c.1103_1104del (p.Glu368fs)

Gene: NSD2 (nuclear receptor binding SET domain protein 2; plus strand). Cytogenetic location: 4p16.3.
Variant type: Microsatellite.
Coding change: c.1103_1104del on transcript NM_001042424.3 (MANE Select); coding-DNA positions 1103 to 1104, 2 bases deleted (AG; older notation c.1103_1104delAG).
Protein change: p.Glu368fs; shifts the reading frame from glutamic acid 368.
Molecular consequence: frameshift variant.
Genome position (GRCh38, 1-based): chr4:1,918,316-1,918,317, AG deleted; deleting any 2 consecutive bases within chr4:1,918,314-1,918,317 gives the same sequence; the c. name uses the placement nearest the transcript's 3' end. VCF-style (leftmost placement, unchanged base first): chr4-1918313-CAG-C. GRCh37 (hg19) VCF-style: chr4-1920040-CAG-C.
Other names: c.1103_1104del, p.Glu368fs (NM_007331.2, NM_133330.3, NM_133331.3 and 1 more transcripts); c.1101_1102AG[1], p.Glu368Valfs (NM_133334.3); c.1103_1104del (NM_133330.2); short protein forms E368fs.
Identifiers: ClinVar variation 1709695 (VCV001709695.3), dbSNP rs2474340960, ClinGen allele CA2580616054.

ClinVar aggregate classification (germline): Pathogenic. Review status: criteria provided, multiple submitters, no conflicts (2 of 4 stars). 2 submissions from 2 submitters: Pathogenic (2). Last evaluated 2026-03-06.

Conditions:
Rauch-Steindl syndrome (RAUST). Identifiers: Orphanet 659642, MedGen C5562061, MONDO:0859219, OMIM 619695.

Submissions (2):

GeneDx
Classification: Pathogenic. Last evaluated: 2026-03-06. Review status: criteria provided, single submitter. Criteria: GeneDx Variant Classification Process June 2021. Collection method: clinical testing. Allele origin: germline.
Comment: Frameshift variant predicted to result in protein truncation or nonsense mediated decay in a gene for which loss-of-function is a known mechanism of disease; Not observed at significant frequency in large population cohorts (gnomAD); This variant is associated with the following publications: (PMID: 33941880)

MGZ Medical Genetics Center
Classification: Pathogenic for Rauch-Steindl syndrome. Last evaluated: 2022-08-02. Review status: criteria provided, single submitter. Criteria: ACMG Guidelines, 2015. Collection method: clinical testing. Allele origin: germline. Affected: yes. Observed: 1 variant allele.
Comment: ACMG criteria applied: PVS1, PM6, PS4_SUP, PM2_SUP